The following is an entry in ClinVar:

NM_001365999.1(SZT2):c.7024G>A (p.Val2342Ile)

Gene: SZT2 (SZT2 subunit of KICSTOR complex; plus strand). Cytogenetic location: 1p34.2.
Variant type: single nucleotide variant.
Coding change: c.7024G>A on transcript NM_001365999.1 (MANE Select); coding-DNA position 7024, G replaced by A.
Protein change: p.Val2342Ile; replaces valine 2342 with isoleucine.
Molecular consequence: missense variant.
Genome position (GRCh38, 1-based): chr1:43,439,751, G>A. VCF-style: chr1-43439751-G-A. GRCh37 (hg19) VCF-style: chr1-43905422-G-A.
Other names: c.6853G>A, p.Val2285Ile (NM_015284.4); short protein forms V2285I, V2342I.
Identifiers: ClinVar variation 1024127 (VCV001024127.10), dbSNP rs755291251, ClinGen allele CA340033005.

ClinVar aggregate classification (germline): Uncertain significance (1 of 4 stars; one submission).

gnomAD v4.1: 2 of 1,596,242 alleles (0.00013%); highest among the groups gnomAD compares: Non-Finnish European, 0.000085%; no homozygotes.

Submission:

Labcorp Genetics (formerly Invitae), Labcorp
Classification: Uncertain significance. Last evaluated: 2022-07-19. Review status: criteria provided, single submitter. Criteria: Invitae Variant Classification Sherloc (09022015). Collection method: clinical testing. Allele origin: germline.
Comment: This sequence change replaces valine, which is neutral and non-polar, with isoleucine, which is neutral and non-polar, at codon 2285 of the SZT2 protein (p.Val2285Ile). In summary, the available evidence is currently insufficient to determine the role of this variant in disease. Therefore, it has been classified as a Variant of Uncertain Significance. Algorithms developed to predict the effect of missense changes on protein structure and function (SIFT, PolyPhen-2, Align-GVGD) all suggest that this variant is likely to be tolerated. ClinVar contains an entry for this variant (Variation ID: 1024127). This variant has not been reported in the literature in individuals affected with SZT2-related conditions. This variant is not present in population databases (gnomAD no frequency).